The following is an entry in ClinVar:

ClinVar aggregate classification (germline): Pathogenic (1 of 4 stars; one submission).

Conditions:
Hereditary cancer-predisposing syndrome. Also called: Tumor predisposition; Hereditary neoplastic syndrome; Neoplastic Syndromes, Hereditary; Hereditary Cancer Syndrome. Identifiers: Orphanet 140162, MedGen C0027672, MeSH D009386, MONDO:0015356.

Submission:

Ambry Genetics
Classification: Pathogenic for Hereditary cancer-predisposing syndrome. Last evaluated: 2025-03-26. Review status: criteria provided, single submitter. Criteria: Ambry Variant Classification Scheme 2023. Collection method: clinical testing. Allele origin: germline.
Comment: The c.326_327delAC pathogenic mutation, located in coding exon 2 of the FLCN gene, results from a deletion of two nucleotides at nucleotide positions 326 to 327, causing a translational frameshift with a predicted alternate stop codon (p.H109Pfs*23). This variant is considered to be rare based on population cohorts in the Genome Aggregation Database (gnomAD). This alteration is expected to result in loss of function by premature protein truncation or nonsense-mediated mRNA decay. As such, this alteration is interpreted as a disease-causing mutation.

NM_144997.7(FLCN):c.326_327del (p.His109fs)

Gene: FLCN (folliculin; minus strand). Cytogenetic location: 17p11.2.
Variant type: Deletion.
Coding change: c.326_327del on transcript NM_144997.7 (MANE Select); coding-DNA positions 326 to 327, 2 bases deleted (AC; older notation c.326_327delAC).
Protein change: p.His109fs; shifts the reading frame from histidine 109.
Molecular consequence: frameshift variant.
Genome position (GRCh38, 1-based): chr17:17,226,245-17,226,246, GT deleted on the plus strand (AC on the coding strand, the reverse complement: FLCN is on the minus strand); deleting any 2 consecutive bases within chr17:17,226,245-17,226,247 gives the same sequence; the c. name uses the placement nearest the transcript's 3' end. VCF-style (leftmost placement, unchanged base first): chr17-17226244-GGT-G. GRCh37 (hg19) VCF-style: chr17-17129558-GGT-G.
Other names: c.326_327del, p.His109fs (NM_001353229.2, NM_001353230.2, NM_001353231.2 and 1 more transcripts); c.326_327delAC (NM_144997.5); short protein forms H109fs.
Identifiers: ClinVar variation 4025300 (VCV004025300.1).